The following is an entry in ClinVar:

NM_001363711.2(DUOX2):c.1985T>C (p.Ile662Thr)

Gene: DUOX2 (dual oxidase 2; minus strand). Cytogenetic location: 15q21.1.
Variant type: single nucleotide variant.
Coding change: c.1985T>C on transcript NM_001363711.2 (MANE Select); coding-DNA position 1985, T replaced by C.
Protein change: p.Ile662Thr; replaces isoleucine 662 with threonine.
Molecular consequence: missense variant.
Genome position (GRCh38, 1-based): chr15:45,106,288, A>G on the plus strand (T>C on the coding strand, the complement: DUOX2 is on the minus strand). VCF-style: chr15-45106288-A-G. GRCh37 (hg19) VCF-style: chr15-45398486-A-G.
Other names: c.1985T>C, p.Ile662Thr (NM_014080.5); short protein forms I662T.
Identifiers: ClinVar variation 1470826 (VCV001470826.8), dbSNP rs2141151333, ClinGen allele CA392273368.
Genomic context (GRCh38, chr15:45,106,288, plus strand): 5'-AGCACAGTGAGATGCCTGTTCAGGACCTGCAGACACCTGTCTGACAGCAGCTGGATGATG[A>G]TGGGACTGCTCCTCTCCTTGGGGCCTGGCCACTCCATCGCTGGGGAAGGGATAATTGGGC-3'
Protein context (NP_001350640.1, residues 652-672): WPGPKERSSP[Ile662Thr]IIQLLSDRCL

ClinVar aggregate classification (germline): Uncertain significance (1 of 4 stars; one submission).

Allele frequency attached by ClinVar (database versions not stated): gnomAD exomes below 0.00001.
gnomAD v4.1: 1 of 1,614,078 alleles (0.000062%); highest among the groups gnomAD compares: Non-Finnish European, 0.000085%; no homozygotes.

Submission:

Labcorp Genetics (formerly Invitae), Labcorp
Classification: Uncertain significance. Last evaluated: 2021-06-03. Review status: criteria provided, single submitter. Criteria: Invitae Variant Classification Sherloc (09022015). Collection method: clinical testing. Allele origin: germline.
Comment: In summary, the available evidence is currently insufficient to determine the role of this variant in disease. Therefore, it has been classified as a Variant of Uncertain Significance. Advanced modeling of protein sequence and biophysical properties (such as structural, functional, and spatial information, amino acid conservation, physicochemical variation, residue mobility, and thermodynamic stability) performed at Invitae indicates that this missense variant is not expected to disrupt DUOX2 protein function. This variant has not been reported in the literature in individuals with DUOX2-related conditions. This variant is not present in population databases (ExAC no frequency). This sequence change replaces isoleucine with threonine at codon 662 of the DUOX2 protein (p.Ile662Thr). The isoleucine residue is weakly conserved and there is a moderate physicochemical difference between isoleucine and threonine.